The following is an entry in ClinVar:

ClinVar aggregate classification (germline): Conflicting classifications of pathogenicity. Review status: criteria provided, conflicting classifications (1 of 4 stars). 5 submissions from 5 submitters: Uncertain significance (1); Likely benign (4). Last evaluated 2026-03-17.

Conditions:
Autoinflammatory syndrome. Identifiers: Orphanet 93665, MedGen C3890737, MONDO:0019751.
Cyclical neutropenia. Also called: Cyclic hematopoiesis; Cyclic Neutropenia. Identifiers: Orphanet 2686, MedGen C0221023, MONDO:0008090, OMIM 162800, HP:0040289. Disease mechanism: loss of function.
Neutropenia, severe congenital, 1, autosomal dominant. Identifiers: MedGen C1859966, MONDO:0042490, OMIM 202700.

Allele frequency attached by ClinVar (database versions not stated): gnomAD exomes 0.00017; ExAC 0.00019; gnomAD 0.00052 and 0.00055; ESP Exome Variant Server 0.00054; TOPMed 0.00064.
gnomAD v4.1: 196 of 1,612,832 alleles (0.012%); highest among the groups gnomAD compares: African/African-American, 0.19%; 2 homozygotes.

Submissions (5):

Women's Health and Genetics/Laboratory Corporation of America, LabCorp
Classification: Likely benign. Last evaluated: 2026-03-17. Review status: criteria provided, single submitter. Criteria: LabCorp Variant Classification Summary - May 2015. Collection method: clinical testing. Allele origin: germline.

Labcorp Genetics (formerly Invitae), Labcorp
Classification: Likely benign for Neutropenia, severe congenital, 1, autosomal dominant; Cyclical neutropenia. Last evaluated: 2026-02-02. Review status: criteria provided, single submitter. Criteria: Invitae Variant Classification Sherloc (09022015). Collection method: clinical testing. Allele origin: germline.

Blueprint Genetics
Classification: Likely benign. Last evaluated: 2024-11-13. Review status: criteria provided, single submitter. Criteria: ACMG Guidelines, 2015. Collection method: clinical testing. Allele origin: germline.

Genome Diagnostics Laboratory, The Hospital for Sick Children
Classification: Uncertain significance for Autoinflammatory syndrome. Last evaluated: 2019-10-01. Review status: criteria provided, single submitter. Criteria: ACMG Guidelines, 2015. Collection method: clinical testing. Allele origin: germline. Affected: yes.

GeneDx
Classification: Likely benign. Last evaluated: 2018-04-06. Review status: criteria provided, single submitter. Criteria: GeneDx Variant Classification (06012015). Collection method: clinical testing. Allele origin: germline. Affected: yes.
Comment: This variant is considered likely benign or benign based on one or more of the following criteria: it is a conservative change, it occurs at a poorly conserved position in the protein, it is predicted to be benign by multiple in silico algorithms, and/or has population frequency not consistent with disease.

NM_001972.4(ELANE):c.778C>A (p.Pro260Thr)

Gene: ELANE (elastase, neutrophil expressed; plus strand). Cytogenetic location: 19p13.3.
Variant type: single nucleotide variant.
Coding change: c.778C>A on transcript NM_001972.4 (MANE Select); coding-DNA position 778, C replaced by A.
Protein change: p.Pro260Thr; replaces proline 260 with threonine.
Molecular consequence: missense variant.
Genome position (GRCh38, 1-based): chr19:856,138, C>A. VCF-style: chr19-856138-C-A. GRCh37 (hg19) VCF-style: chr19-856138-C-A.
Other names: short protein forms P260T.
Identifiers: ClinVar variation 668758 (VCV000668758.19), dbSNP rs143579306, ClinGen allele CA9026162.